The following is an entry in ClinVar:

NM_000562.3(C8A):c.1723C>T (p.Pro575Ser)

Gene: C8A (complement C8 alpha chain; plus strand). Cytogenetic location: 1p32.2.
Variant type: single nucleotide variant.
Coding change: c.1723C>T on transcript NM_000562.3 (MANE Select); coding-DNA position 1723, C replaced by T.
Protein change: p.Pro575Ser; replaces proline 575 with serine.
Molecular consequence: missense variant.
Genome position (GRCh38, 1-based): chr1:56,917,684, C>T. VCF-style: chr1-56917684-C-T. GRCh37 (hg19) VCF-style: chr1-57383357-C-T.
Other names: p.Pro575Ser; short protein forms P575S.
Identifiers: ClinVar variation 1166522 (VCV001166522.37), dbSNP rs41285938, ClinGen allele CA875492.

ClinVar aggregate classification (germline): Benign/Likely benign. Review status: criteria provided, multiple submitters, no conflicts (2 of 4 stars). 6 submissions from 6 submitters: Benign (4); Likely benign (2). Last evaluated 2026-05-01.

Allele frequency attached by ClinVar (database versions not stated): 1000 Genomes Project 30x 0.00406; TOPMed 0.00764; gnomAD 0.00789 and 0.00809; 1000 Genomes Project 0.00339; ESP Exome Variant Server 0.00792; gnomAD exomes 0.00892; ExAC 0.01019.
gnomAD v4.1: 19,111 of 1,614,162 alleles (1.2%); highest among the groups gnomAD compares: Non-Finnish European, 1.4%; 146 homozygotes.

Submissions (6):

CeGaT Center for Human Genetics Tuebingen
Classification: Benign. Last evaluated: 2026-05-01. Review status: criteria provided, single submitter. Criteria: CeGaT Center For Human Genetics Tuebingen Variant Classification Criteria Version 2. Collection method: clinical testing. Allele origin: germline. Affected: yes. Observed: 6 variant alleles.
Comment: C8A: BP4, BS1, BS2

Labcorp Genetics (formerly Invitae), Labcorp
Classification: Benign. Last evaluated: 2026-02-04. Review status: criteria provided, single submitter. Criteria: Invitae Variant Classification Sherloc (09022015). Collection method: clinical testing. Allele origin: germline.

Women's Health and Genetics/Laboratory Corporation of America, LabCorp
Classification: Likely benign. Last evaluated: 2026-01-22. Review status: criteria provided, single submitter. Criteria: LabCorp Variant Classification Summary - May 2015. Collection method: clinical testing. Allele origin: germline.

Blueprint Genetics
Classification: Likely benign. Last evaluated: 2024-11-25. Review status: criteria provided, single submitter. Criteria: ACMG Guidelines, 2015. Collection method: clinical testing. Allele origin: germline.

Mayo Clinic Laboratories, Mayo Clinic
Classification: Benign. Last evaluated: 2024-09-23. Review status: criteria provided, single submitter. Criteria: ACMG Guidelines, 2015. Collection method: clinical testing. Allele origin: germline. Observed: 2 variant alleles.
Comment: BS1, BS2, BP4

Breakthrough Genomics
Classification: Benign. Review status: criteria provided, single submitter. Criteria: ACMG Guidelines, 2015. Collection method: not provided. Allele origin: germline. Inheritance: Autosomal recessive inheritance. Affected: yes.